The following is an entry in ClinVar:

ClinVar aggregate classification (germline): Uncertain significance (1 of 4 stars; one submission).

Conditions:
Mucopolysaccharidosis, MPS-IV-A (MPS4A). Also called: Morquio syndrome A, mild; MORQUIO SYNDROME A; GALACTOSAMINE-6-SULFATASE DEFICIENCY; GALNS DEFICIENCY; MORQUIO A DISEASE; mucopolysaccharidosis type 4A. Identifiers: Orphanet 309297, Orphanet 582, MedGen C0086651, MONDO:0009659, OMIM 253000.

Submission:

Labcorp Genetics (formerly Invitae), Labcorp
Classification: Uncertain significance for Mucopolysaccharidosis, MPS-IV-A. Last evaluated: 2023-07-16. Review status: criteria provided, single submitter. Criteria: Invitae Variant Classification Sherloc (09022015). Collection method: clinical testing. Allele origin: germline.
Comment: This sequence change falls in intron 9 of the GALNS gene. It does not directly change the encoded amino acid sequence of the GALNS protein. It affects a nucleotide within the consensus splice site. In summary, the available evidence is currently insufficient to determine the role of this variant in disease. Therefore, it has been classified as a Variant of Uncertain Significance. Variants that disrupt the consensus splice site are a relatively common cause of aberrant splicing (PMID: 17576681, 9536098). Algorithms developed to predict the effect of sequence changes on RNA splicing suggest that this variant may disrupt the consensus splice site. This variant has not been reported in the literature in individuals affected with GALNS-related conditions. This variant is not present in population databases (gnomAD no frequency).

Literature cited by the submitters: PubMed 17576681; PubMed 9536098.

NM_000512.5(GALNS):c.1002+4A>T

Gene: GALNS (galactosamine (N-acetyl)-6-sulfatase; minus strand). Cytogenetic location: 16q24.3.
Variant type: single nucleotide variant.
Coding change: c.1002+4A>T on transcript NM_000512.5 (MANE Select); 4 bases into the intron after coding-DNA position 1002, A replaced by T.
Molecular consequence: intron variant.
Genome position (GRCh38, 1-based): chr16:88,831,994, T>A on the plus strand (A>T on the coding strand, the complement: GALNS is on the minus strand). VCF-style: chr16-88831994-T-A. GRCh37 (hg19) VCF-style: chr16-88898402-T-A.
Other names: c.447+4A>T (NM_001323543.2); c.1020+4A>T (NM_001323544.2).
Identifiers: ClinVar variation 2705134 (VCV002705134.3), dbSNP rs2543508711, ClinGen allele CA2697556020.
Genomic context (GRCh38, chr16:88,831,994, plus strand): 5'-ACACACCCTGGGATGGCTGCAGGCCTGGACCTGCTGCCCGGCAGACCGGTGGACGCTGAC[T>A]CACCTGGCCTGCAGTGACGTGCCCTGGCCACCATGCGAGGGCAGGCTCCCTCATCCCTCC-3'